The following is an entry in ClinVar:

ClinVar aggregate classification (germline): Uncertain significance (1 of 4 stars; one submission).

Allele frequency attached by ClinVar (database versions not stated): TOPMed below 0.00001; gnomAD 0.00001; gnomAD exomes 0.00001; ExAC 0.00002; ESP Exome Variant Server 0.00008.
gnomAD v4.1: 18 of 1,612,436 alleles (0.0011%); highest among the groups gnomAD compares: Non-Finnish European, 0.0014%; no homozygotes.

Submission:

GeneDx
Classification: Uncertain significance. Last evaluated: 2013-02-18. Review status: criteria provided, single submitter. Criteria: GeneDx Variant Classification (06012015). Collection method: clinical testing. Allele origin: germline. Affected: yes.
Comment: p.Cys272Arg (TGC>CGC): c.814 T>C in exon 8 of the APTX gene (NM_175073.2). The C272Rmissense substitution has not been published as a mutation, nor has it been reported as a benign polymorphism to our knowledge. C272R is a non-conservative amino acid substitution as an uncharged Cysteine residue involved in disulfide bonding is replaced with a positively charged Arginine residue at a position in the APTX protein that is conserved across species. Missense mutations in neighboring codons (D276G and W279R) have been reported in the literature in association with ataxia-ocular apraxia 1; however, multiple in-silico prediction algorithms predict that C272 is a benign change. Therefore, based on the currently available information, it is unclear whether C272R is a disease-causing mutation or a rare benign variant. The variant is found in LSME-MITOP panel(s).

NM_001195248.2(APTX):c.814T>C (p.Cys272Arg)

Gene: APTX (aprataxin; minus strand). Cytogenetic location: 9p21.1.
Variant type: single nucleotide variant.
Coding change: c.814T>C on transcript NM_001195248.2 (MANE Select); coding-DNA position 814, T replaced by C.
Protein change: p.Cys272Arg; replaces cysteine 272 with arginine.
Molecular consequence: missense variant. On other transcripts: non-coding transcript variant (13).
Genome position (GRCh38, 1-based): chr9:32,974,518, A>G on the plus strand (T>C on the coding strand, the complement: APTX is on the minus strand). VCF-style: chr9-32974518-A-G. GRCh37 (hg19) VCF-style: chr9-32974516-A-G.
Other names: p.C272R:TGC>CGC; c.814T>C, p.Cys272Arg (NM_001195249.2, NM_001195251.2, NM_001368995.1 and 6 more transcripts); c.652T>C, p.Cys218Arg (NM_001195250.2, NM_001195254.2, NM_001369000.1 and 1 more transcripts); c.598T>C, p.Cys200Arg (NM_001195252.2); c.550T>C, p.Cys184Arg (NM_001369002.1, NM_001369003.1, NM_001369004.1 and 5 more transcripts); short protein forms C272R, C184R, C218R, C200R.
Identifiers: ClinVar variation 214127 (VCV000214127.2), dbSNP rs144893610, ClinGen allele CA320306.